The following is an entry in ClinVar:

NM_181697.3(PRDX1):c.67G>A (p.Asp23Asn)

Gene: PRDX1 (peroxiredoxin 1; minus strand). Cytogenetic location: 1p34.1.
Variant type: single nucleotide variant.
Coding change: c.67G>A on transcript NM_181697.3 (MANE Select); coding-DNA position 67, G replaced by A.
Protein change: p.Asp23Asn; replaces aspartic acid 23 with asparagine.
Molecular consequence: missense variant.
Genome position (GRCh38, 1-based): chr1:45,518,977, C>T on the plus strand (G>A on the coding strand, the complement: PRDX1 is on the minus strand). VCF-style: chr1-45518977-C-T. GRCh37 (hg19) VCF-style: chr1-45984649-C-T.
Other names: c.67G>A, p.Asp23Asn (NM_001202431.2, NM_002574.4, NM_181696.3); short protein forms D23N.
Identifiers: ClinVar variation 2976567 (VCV002976567.3), dbSNP rs539081701, ClinGen allele CA340138175.
Genomic context (GRCh38, chr1:45,518,977, plus strand): 5'-GCCCAGTGTTAATTCTCTCACCTTTGTAGTCAGACAGGCTGATATCTTTAAACTGACCAT[C>T]TGGCATAACAGCTGTGGCTTTGAAGTTGGGGGCAGGGTGCCCAATTTTAGCATTTCCTGA-3'
Protein context (NP_859048.1, residues 13-33): PNFKATAVMP[Asp23Asn]GQFKDISLSD

ClinVar aggregate classification (germline): Uncertain significance (1 of 4 stars; one submission).

gnomAD v4.1: 3 of 1,605,972 alleles (0.00019%); highest among the groups gnomAD compares: Non-Finnish European, 0.00025%; no homozygotes.

Submission:

Labcorp Genetics (formerly Invitae), Labcorp
Classification: Uncertain significance. Last evaluated: 2023-03-21. Review status: criteria provided, single submitter. Criteria: Invitae Variant Classification Sherloc (09022015). Collection method: clinical testing. Allele origin: germline.
Comment: This sequence change replaces aspartic acid, which is acidic and polar, with asparagine, which is neutral and polar, at codon 23 of the PRDX1 protein (p.Asp23Asn). This variant is not present in population databases (gnomAD no frequency). This variant has not been reported in the literature in individuals affected with PRDX1-related conditions. An algorithm developed to predict the effect of missense changes on protein structure and function (PolyPhen-2) suggests that this variant is likely to be tolerated. In summary, the available evidence is currently insufficient to determine the role of this variant in disease. Therefore, it has been classified as a Variant of Uncertain Significance.